The following is an entry in ClinVar:

NM_032603.5(LOXL3):c.266_267del (p.Thr89fs)

Genes: DOK1 (docking protein 1; plus strand), LOXL3 (lysyl oxidase like 3; minus strand). Cytogenetic location: 2p13.1.
Variant type: Microsatellite.
Coding change: c.266_267del on transcript NM_032603.5 (MANE Select); coding-DNA positions 266 to 267, 2 bases deleted (CA; older notation c.266_267delCA).
Protein change: p.Thr89fs; shifts the reading frame from threonine 89.
Molecular consequence: frameshift variant. On other transcripts: intron variant (1).
Genome position (GRCh38, 1-based): chr2:74,552,368-74,552,369, TG deleted on the plus strand (CA on the coding strand, the reverse complement: LOXL3 is on the minus strand); deleting any 2 consecutive bases within chr2:74,552,368-74,552,371 gives the same sequence; the c. name uses the placement nearest the transcript's 3' end. VCF-style (leftmost placement, unchanged base first): chr2-74552367-CTG-C. GRCh37 (hg19) VCF-style: chr2-74779494-CTG-C.
Other names: c.266_267del, p.Thr89fs (NM_001289164.3); c.-357-2784_-357-2783del (NM_001197260.2); short protein forms T89fs.
Identifiers: ClinVar variation 1421301 (VCV001421301.8), dbSNP rs2104452689, ClinGen allele CA2580611668.

ClinVar aggregate classification (germline): Uncertain significance (1 of 4 stars; one submission).

Submission:

Labcorp Genetics (formerly Invitae), Labcorp
Classification: Uncertain significance. Last evaluated: 2022-03-18. Review status: criteria provided, single submitter. Criteria: Invitae Variant Classification Sherloc (09022015). Collection method: clinical testing. Allele origin: germline.
Comment: This sequence change creates a premature translational stop signal (p.Thr89Argfs*34) in the LOXL3 gene. It is expected to result in an absent or disrupted protein product. However, the current clinical and genetic evidence is not sufficient to establish whether loss-of-function variants in LOXL3 cause disease. This variant is not present in population databases (gnomAD no frequency). This variant has not been reported in the literature in individuals affected with LOXL3-related conditions. In summary, the available evidence is currently insufficient to determine the role of this variant in disease. Therefore, it has been classified as a Variant of Uncertain Significance.